The following is an entry in ClinVar:

ClinVar aggregate classification (germline): Uncertain significance (1 of 4 stars; one submission).

gnomAD v4.1: 5 of 1,178,414 alleles (0.00042%); highest among the groups gnomAD compares: Non-Finnish European, 0.00052%; no homozygotes.

Submission:

Labcorp Genetics (formerly Invitae), Labcorp
Classification: Uncertain significance. Last evaluated: 2025-12-26. Review status: criteria provided, single submitter. Criteria: Invitae Variant Classification Sherloc (09022015). Collection method: clinical testing. Allele origin: germline.
Comment: This sequence change replaces arginine, which is basic and polar, with glycine, which is neutral and non-polar, at codon 1221 of the GRIN2D protein (p.Arg1221Gly). The frequency data for this variant in the population databases is considered unreliable, as metrics indicate insufficient coverage at this position in the gnomAD database. This variant has not been reported in the literature in individuals affected with GRIN2D-related conditions. Invitae Evidence Modeling of protein sequence and biophysical properties (such as structural, functional, and spatial information, amino acid conservation, physicochemical variation, residue mobility, and thermodynamic stability) indicates that this missense variant is not expected to disrupt GRIN2D protein function with a negative predictive value of 95%. In summary, the available evidence is currently insufficient to determine the role of this variant in disease. Therefore, it has been classified as a Variant of Uncertain Significance.

NM_000836.4(GRIN2D):c.3661C>G (p.Arg1221Gly)

Gene: GRIN2D (glutamate ionotropic receptor NMDA type subunit 2D; plus strand). Cytogenetic location: 19q13.33.
Variant type: single nucleotide variant.
Coding change: c.3661C>G on transcript NM_000836.4 (MANE Select); coding-DNA position 3661, C replaced by G.
Protein change: p.Arg1221Gly; replaces arginine 1221 with glycine.
Molecular consequence: missense variant.
Genome position (GRCh38, 1-based): chr19:48,443,587, C>G. VCF-style: chr19-48443587-C-G. GRCh37 (hg19) VCF-style: chr19-48946844-C-G.
Other names: short protein forms R1221G.
Identifiers: ClinVar variation 4777442 (VCV004777442.1).